The following is an entry in ClinVar:

ClinVar aggregate classification (germline): Likely benign. Review status: criteria provided, multiple submitters, no conflicts (2 of 4 stars). 2 submissions from 2 submitters: Likely benign (2). Last evaluated 2023-08-30.

Allele frequency attached by ClinVar (database versions not stated): TOPMed 0.00001.
gnomAD v4.1: 6 of 1,613,430 alleles (0.00037%); highest among the groups gnomAD compares: Admixed American, 0.0083%; no homozygotes.

Submissions (2):

Labcorp Genetics (formerly Invitae), Labcorp
Classification: Likely benign. Last evaluated: 2023-08-30. Review status: criteria provided, single submitter. Criteria: Invitae Variant Classification Sherloc (09022015). Collection method: clinical testing. Allele origin: germline.

Laboratory for Molecular Medicine, Mass General Brigham Personalized Medicine
Classification: Likely benign. Last evaluated: 2013-10-17. Review status: criteria provided, single submitter. Criteria: LMM Criteria. Collection method: clinical testing. Allele origin: germline. Observed: 1 variant allele.
Comment: Ser4455Asn in Exon 66 of GPR98: This variant is not expected to have clinical si gnificance because the serine (Ser) residue at position 4455 is not conserved th rough species, with shrew, rock hyrax, wallaby, opossum, and platypus having an asparagine (Asn) at this position.

NM_032119.4(ADGRV1):c.13364G>A (p.Ser4455Asn)

Gene: ADGRV1 (adhesion G protein-coupled receptor V1; plus strand). Cytogenetic location: 5q14.3.
Variant type: single nucleotide variant.
Coding change: c.13364G>A on transcript NM_032119.4 (MANE Select); coding-DNA position 13364, G replaced by A.
Protein change: p.Ser4455Asn; replaces serine 4455 with asparagine.
Molecular consequence: missense variant. On other transcripts: non-coding transcript variant (1).
Genome position (GRCh38, 1-based): chr5:90,783,256, G>A. VCF-style: chr5-90783256-G-A. GRCh37 (hg19) VCF-style: chr5-90079073-G-A.
Other names: short protein forms S4455N.
Identifiers: ClinVar variation 163613 (VCV000163613.7), dbSNP rs727503081, ClinGen allele CA176235.
Genomic context (GRCh38, chr5:90,783,256, plus strand): 5'-ATTTCATCTCTCAGAGCTCCTCTGCCAGTCCCGGAGGTGTTGATTACATTTTGCATGGCA[G>A]TACAGTCACCTTTCAGCATGGGCAAAACTTAAGTTTTATAAATATCTCCATCATTGATGA-3'
Protein context (NP_115495.3, residues 4445-4465): PGGVDYILHG[Ser4455Asn]TVTFQHGQNL